The following is an entry in ClinVar:

NM_170606.3(KMT2C):c.1365A>G (p.Ile455Met)

Gene: KMT2C (lysine methyltransferase 2C; minus strand). Cytogenetic location: 7q36.1.
Variant type: single nucleotide variant.
Coding change: c.1365A>G on transcript NM_170606.3 (MANE Select); coding-DNA position 1365, A replaced by G.
Protein change: p.Ile455Met; replaces isoleucine 455 with methionine.
Molecular consequence: missense variant.
Genome position (GRCh38, 1-based): chr7:152,252,650, T>C on the plus strand (A>G on the coding strand, the complement: KMT2C is on the minus strand). VCF-style: chr7-152252650-T-C. GRCh37 (hg19) VCF-style: chr7-151949735-T-C.
Other names: short protein forms I455M.
Identifiers: ClinVar variation 134736 (VCV000134736.15), dbSNP rs77652527, ClinGen allele CA160645.
Genomic context (GRCh38, chr7:152,252,650, plus strand): 5'-ATGATAACACTTCCCACAGAAGGGACATAAGTTATCCTGCTGTTGGTAACAATTGTCACA[T>C]ATCAGGCAATTGTGGTGCCACTGAGAACTAGACCGTGTGCCACACTCTATACATATTCTG-3'
Protein context (NP_733751.2, residues 445-465): SSSQWHHNCL[Ile455Met]CDNCYQQQDN

ClinVar aggregate classification (germline): Benign. Review status: criteria provided, multiple submitters, no conflicts (2 of 4 stars). 4 submissions from 4 submitters: Benign (3). 1 of the submissions does not count toward it. Last evaluated 2026-01-27.

Allele frequency attached by ClinVar (database versions not stated): ExAC 0.02341; ESP Exome Variant Server 0.03145; 1000 Genomes Project 0.01278; 1000 Genomes Project 30x 0.01280; TOPMed 0.02414; gnomAD 0.02594 and 0.02495; gnomAD exomes 0.03712 and 0.02382.
gnomAD v4.1: 57,607 of 1,613,196 alleles (3.6%); highest among the groups gnomAD compares: Non-Finnish European, 4.4%; 1,244 homozygotes.

Submissions (11):

Labcorp Genetics (formerly Invitae), Labcorp
Classification: Benign. Last evaluated: 2026-01-27. Review status: criteria provided, single submitter. Criteria: Invitae Variant Classification Sherloc (09022015). Collection method: clinical testing. Allele origin: germline.

Laboratory for Molecular Medicine, Mass General Brigham Personalized Medicine
Classification: Benign. Last evaluated: 2016-03-29. Review status: criteria provided, single submitter. Criteria: LMM Criteria. Collection method: clinical testing. Allele origin: germline.
Comment: Variant identified in a genome or exome case(s) and assessed due to predicted null impact of the variant or pathogenic assertions in the literature or databases. Disclaimer: This variant has not undergone full assessment. The following are preliminary notes: Frequency

Breakthrough Genomics
Classification: Benign. Review status: criteria provided, single submitter. Criteria: ACMG Guidelines, 2015. Collection method: not provided. Allele origin: germline. Inheritance: Autosomal dominant inheritance. Affected: yes.

ITMI
No classification provided. Condition: AllHighlyPenetrant. Last evaluated: 2013-09-19. Review status: no classification provided. Collection method: reference population. Allele origin: germline. Not counted in ClinVar's aggregate classification.
Comment: Please see associated publication for description of ethnicities

Dr. Peter K. Rogan Lab, Western University
No classification provided (evidence only). Condition: Acute myeloid leukemia. Review status: no classification provided. Collection method: in vitro. Allele origin: not applicable. Functional consequence: retained intron. Not counted in ClinVar's aggregate classification.

Dr. Peter K. Rogan Lab, Western University
No classification provided (evidence only). Condition: Acute myeloid leukemia. Review status: no classification provided. Collection method: in vitro. Allele origin: not applicable. Functional consequence: retained intron. Not counted in ClinVar's aggregate classification.

Dr. Peter K. Rogan Lab, Western University
No classification provided (evidence only). Condition: Acute myeloid leukemia. Review status: no classification provided. Collection method: in vitro. Allele origin: not applicable. Functional consequence: retained intron. Not counted in ClinVar's aggregate classification.

Dr. Peter K. Rogan Lab, Western University
No classification provided (evidence only). Condition: Thyroid cancer, nonmedullary, 1. Review status: no classification provided. Collection method: in vitro. Allele origin: not applicable. Functional consequence: retained intron. Not counted in ClinVar's aggregate classification.

Dr. Peter K. Rogan Lab, Western University
No classification provided (evidence only). Condition: Thyroid cancer, nonmedullary, 1. Review status: no classification provided. Collection method: in vitro. Allele origin: not applicable. Functional consequence: retained intron. Not counted in ClinVar's aggregate classification.

Dr. Peter K. Rogan Lab, Western University
No classification provided (evidence only). Condition: Thyroid cancer, nonmedullary, 1. Review status: no classification provided. Collection method: in vitro. Allele origin: not applicable. Functional consequence: retained intron. Not counted in ClinVar's aggregate classification.

Dr. Peter K. Rogan Lab, Western University
No classification provided (evidence only). Condition: Hepatocellular carcinoma. Review status: no classification provided. Collection method: in vitro. Allele origin: not applicable. Functional consequence: retained intron. Not counted in ClinVar's aggregate classification.

Literature cited by the submitters: PubMed 24728327 (cited by ITMI).